The following is an entry in ClinVar:

ClinVar aggregate classification (germline): Uncertain significance (1 of 4 stars; one submission).

Submission:

Labcorp Genetics (formerly Invitae), Labcorp
Classification: Uncertain significance. Last evaluated: 2021-05-19. Review status: criteria provided, single submitter. Criteria: Invitae Variant Classification Sherloc (09022015). Collection method: clinical testing. Allele origin: germline.
Comment: This sequence change replaces alanine with glutamic acid at codon 2427 of the COL7A1 protein (p.Ala2427Glu). The alanine residue is weakly conserved and there is a moderate physicochemical difference between alanine and glutamic acid. This variant is not present in population databases (ExAC no frequency). This variant has not been reported in the literature in individuals with COL7A1-related conditions. Algorithms developed to predict the effect of missense changes on protein structure and function are either unavailable or do not agree on the potential impact of this missense change (SIFT: "Tolerated"; PolyPhen-2: "Possibly Damaging"; Align-GVGD: "Class C0"). In summary, the available evidence is currently insufficient to determine the role of this variant in disease. Therefore, it has been classified as a Variant of Uncertain Significance.

NM_000094.4(COL7A1):c.7280C>A (p.Ala2427Glu)

Gene: COL7A1 (collagen type VII alpha 1 chain; minus strand). Cytogenetic location: 3p21.31.
Variant type: single nucleotide variant.
Coding change: c.7280C>A on transcript NM_000094.4 (MANE Select); coding-DNA position 7280, C replaced by A.
Protein change: p.Ala2427Glu; replaces alanine 2427 with glutamic acid.
Molecular consequence: missense variant.
Genome position (GRCh38, 1-based): chr3:48,570,703, G>T on the plus strand (C>A on the coding strand, the complement: COL7A1 is on the minus strand). VCF-style: chr3-48570703-G-T. GRCh37 (hg19) VCF-style: chr3-48608136-G-T.
Other names: short protein forms A2427E.
Identifiers: ClinVar variation 1950741 (VCV001950741.2), dbSNP rs2530867511, ClinGen allele CA352648173.